The following is an entry in ClinVar:

ClinVar aggregate classification (germline): Uncertain significance. Review status: criteria provided, multiple submitters, no conflicts (2 of 4 stars). 7 submissions from 7 submitters: Uncertain significance (7). Last evaluated 2026-01-11.

Conditions:
POLE-related disorder. Also called: POLE-related condition; POLE-related disorders.
Hereditary cancer-predisposing syndrome. Also called: Hereditary Cancer Syndrome; Tumor predisposition; Hereditary neoplastic syndrome; Neoplastic Syndromes, Hereditary. Identifiers: Orphanet 140162, MedGen C0027672, MeSH D009386, MONDO:0015356.
Colorectal cancer, susceptibility to, 12 (CRCS12). Also called: COLORECTAL CANCER, SUSCEPTIBILITY TO, ON CHROMOSOME 12q24. Identifiers: Orphanet 220460, MedGen C3554460, MONDO:0014038, OMIM 615083.

Allele frequency attached by ClinVar (database versions not stated): 1000 Genomes Project 30x 0.00016; 1000 Genomes Project 0.00020; gnomAD 0.00001; TOPMed 0.00001; gnomAD exomes 0.00002 and 0.00004; ExAC 0.00005; ESP Exome Variant Server 0.00008.
gnomAD v4.1: 28 of 1,613,218 alleles (0.0017%); highest among the groups gnomAD compares: East Asian, 0.029%; no homozygotes.

Submissions (7):

Labcorp Genetics (formerly Invitae), Labcorp
Classification: Uncertain significance. Last evaluated: 2026-01-11. Review status: criteria provided, single submitter. Criteria: Invitae Variant Classification Sherloc (09022015). Collection method: clinical testing. Allele origin: germline.
Comment: This sequence change replaces arginine, which is basic and polar, with tryptophan, which is neutral and slightly polar, at codon 446 of the POLE protein (p.Arg446Trp). This variant is present in population databases (rs200403177, gnomAD 0.01%). This missense change has been observed in individual(s) with colorectal cancer (PMID: 29120461). ClinVar contains an entry for this variant (Variation ID: 421572). Invitae Evidence Modeling of protein sequence and biophysical properties (such as structural, functional, and spatial information, amino acid conservation, physicochemical variation, residue mobility, and thermodynamic stability) has been performed for this missense variant. However, the output from this modeling did not meet the statistical confidence thresholds required to predict the impact of this variant on POLE protein function. In summary, the available evidence is currently insufficient to determine the role of this variant in disease. Therefore, it has been classified as a Variant of Uncertain Significance.

PreventionGenetics, part of Exact Sciences
Classification: Uncertain significance for POLE-related condition. Last evaluated: 2026-01-02. Review status: criteria provided, single submitter. Criteria: ACMG Guidelines, 2015. Collection method: clinical testing. Allele origin: germline.
Comment: The POLE c.1336C>T variant is predicted to result in the amino acid substitution p.Arg446Trp. This variant has been reported in patients with colorectal and endometrial cancers, although conclusive evidence of pathogenicity was not presented (Buchanan et al. 2018. PubMed ID: 29120461; Billingsley et al. 2015. PubMed ID: 25224212). This variant is reported in 0.014% of alleles in individuals of Latino descent in gnomAD and is interpreted as uncertain in ClinVar (Variation ID: 421572). At this time, the clinical significance of this variant is uncertain due to the absence of conclusive functional and genetic evidence.

Ambry Genetics
Classification: Uncertain significance for Hereditary cancer-predisposing syndrome. Last evaluated: 2025-04-23. Review status: criteria provided, single submitter. Criteria: Ambry Variant Classification Scheme 2023. Collection method: clinical testing. Allele origin: germline.
Comment: The p.R446W variant (also known as c.1336C>T), located in coding exon 13 of the POLE gene, results from a C to T substitution at nucleotide position 1336. The arginine at codon 446 is replaced by tryptophan, an amino acid with dissimilar properties. Two additional unaffected siblings and an unaffected paternal aunt from this family tested negative for this alteration (Buchanan DD et al. Genet Med, 2018 08;20:890-895). In another study, this variant was not detected in 165 colorectal cancer and/or polyposis patients and was identified in 1/2512 control individuals from a healthy population database (Rosenthal EA et al. Hum Genet, 2018 Oct;137:795-806). This amino acid position is highly conserved in available vertebrate species. In addition, the in silico prediction for this alteration is inconclusive. Based on the available evidence, the clinical significance of this variant remains unclear.

Blueprint Genetics
Classification: Uncertain significance. Last evaluated: 2023-12-01. Review status: criteria provided, single submitter. Criteria: ACMG Guidelines, 2015. Collection method: clinical testing. Allele origin: germline.

Baylor Genetics
Classification: Uncertain significance for Colorectal cancer, susceptibility to, 12. Last evaluated: 2023-09-05. Review status: criteria provided, single submitter. Criteria: ACMG Guidelines, 2015. Collection method: clinical testing. Allele origin: unknown.

Sema4
Classification: Uncertain significance for Hereditary cancer-predisposing syndrome. Last evaluated: 2021-10-22. Review status: criteria provided, single submitter. Criteria: Sema4 Curation Guidelines. Collection method: curation. Allele origin: germline.
Comment: The POLE c.1336C>T (p.R446W) variant has been reported in heterozygosity in at least two individuals with colorectal or endometrial cancer (PMID: 29120461, 25224212). This variant was observed in 5/34570 chromosomes in the Latino population according to the Genome Aggregation Database (PMID: 32461654), and has been reported in ClinVar (Variation ID: 421572). Functional studies have not been performed, and in silico predictions of the variant's effect on protein function are inconclusive. Based on the current evidence available, this variant is interpreted as a variant of uncertain significance.

GeneDx
Classification: Uncertain significance. Last evaluated: 2016-06-30. Review status: criteria provided, single submitter. Criteria: GeneDx Variant Classification (06012015). Collection method: clinical testing. Allele origin: germline. Affected: yes.
Comment: This variant is denoted POLE c.1336C>T at the cDNA level, p.Arg446Trp (R446W) at the protein level, and results in the change of an Arginine to a Tryptophan (CGG>TGG). This variant has not, to our knowledge, been published in the literature as either a pathogenic germline variant or a benign polymorphism. However, it has been reported as a somatic variant in at least one endometrial tumor (Billingsley 2015). POLE Arg446Trp was not observed at significant allele frequency in the NHLBI Exome Sequencing Project. Since Arginine and Tryptophan differ in polarity, charge, size or other properties, this is considered a non-conservative amino acid substitution. POLE Arg446Trp occurs at a position that is conserved in mammals and is located within the exonuclease domain (Preston 2010). In silico analyses predict that this variant is probably damaging to protein structure and function. Based on currently available evidence, it is unclear whether POLE Arg446Trp is a pathogenic or benign variant. We consider it to be a variant of uncertain significance.

Literature cited by the submitters: PubMed 29120461 (cited by 3 submitters); PubMed 30267214 (cited by Ambry Genetics); PubMed 25224212 (cited by Sema4).

NM_006231.4(POLE):c.1336C>T (p.Arg446Trp)

Gene: POLE (DNA polymerase epsilon, catalytic subunit; minus strand). Cytogenetic location: 12q24.33.
Variant type: single nucleotide variant.
Coding change: c.1336C>T on transcript NM_006231.4 (MANE Select); coding-DNA position 1336, C replaced by T.
Protein change: p.Arg446Trp; replaces arginine 446 with tryptophan.
Molecular consequence: missense variant.
Genome position (GRCh38, 1-based): chr12:132,673,598, G>A on the plus strand (C>T on the coding strand, the complement: POLE is on the minus strand). VCF-style: chr12-132673598-G-A. GRCh37 (hg19) VCF-style: chr12-133250184-G-A.
Other names: short protein forms R446W.
Identifiers: ClinVar variation 421572 (VCV000421572.21), dbSNP rs200403177, ClinGen allele CA6894002.